The following is an entry in ClinVar:

NM_007078.3(LDB3):c.1243A>T (p.Thr415Ser)

Gene: LDB3 (LIM domain binding 3; plus strand). Cytogenetic location: 10q23.2.
Variant type: single nucleotide variant.
Coding change: c.1243A>T on transcript NM_007078.3 (MANE Select); coding-DNA position 1243, A replaced by T.
Protein change: p.Thr415Ser; replaces threonine 415 with serine.
Molecular consequence: missense variant.
Genome position (GRCh38, 1-based): chr10:86,716,338, A>T. VCF-style: chr10-86716338-A-T. GRCh37 (hg19) VCF-style: chr10-88476095-A-T.
Other names: c.913A>T, p.Thr305Ser (NM_001080114.2); c.1258A>T, p.Thr420Ser (NM_001171610.2); c.1054A>T, p.Thr352Ser (NM_001368064.1, NM_001368065.1); c.1102A>T, p.Thr368Ser (NM_001368066.1); short protein forms T368S, T415S, T420S, T352S, T305S.
Identifiers: ClinVar variation 1462571 (VCV001462571.6), dbSNP rs2132481387, ClinGen allele CA377449334.
Genomic context (GRCh38, chr10:86,716,338, plus strand): 5'-GAATGAATTCCTGACACACCTTTCTTTGGGTTTTTTTTGGCTTTTGCAGTGCCTGCATCT[A>T]CCTACAGCCCGTCCCCAGGGGCCAATTACAGTCCCACTCCCTACACCCCCTCCCCTGCCC-3'
Protein context (NP_009009.1, residues 405-425): PSVYQPVPAS[Thr415Ser]YSPSPGANYS

ClinVar aggregate classification (germline): Uncertain significance (1 of 4 stars; one submission).

Conditions:
Myofibrillar myopathy 4. Also called: Zaspopathy (type). Identifiers: Orphanet 98912, MedGen C4721886, MONDO:0012277, OMIM 609452.

Submission:

Labcorp Genetics (formerly Invitae), Labcorp
Classification: Uncertain significance for Myofibrillar myopathy 4. Last evaluated: 2021-08-03. Review status: criteria provided, single submitter. Criteria: Invitae Variant Classification Sherloc (09022015). Collection method: clinical testing. Allele origin: germline.
Comment: In summary, the available evidence is currently insufficient to determine the role of this variant in disease. Therefore, it has been classified as a Variant of Uncertain Significance. Experimental studies and prediction algorithms are not available or were not evaluated, and the functional significance of this variant is currently unknown. This variant has not been reported in the literature in individuals affected with LDB3-related conditions. This variant is not present in population databases (ExAC no frequency). This sequence change replaces threonine with serine at codon 415 of the LDB3 protein (p.Thr415Ser). The LDB3 gene has multiple clinically relevant transcripts. This variant occurs in alternate transcript NM_007078.3, and corresponds to NM_001080116.1:c.*16964A>T in the primary transcript.